The following is an entry in ClinVar:

ClinVar aggregate classification (germline): Uncertain significance. Review status: criteria provided, multiple submitters, no conflicts (2 of 4 stars). 2 submissions from 2 submitters: Uncertain significance (2). Last evaluated 2024-02-28.

Conditions:
Inborn genetic diseases. Identifiers: MedGen C0950123, MeSH D030342.
Leber congenital amaurosis 6 (LCA6). Identifiers: Orphanet 65, MedGen C1854260, MONDO:0013446, OMIM 613826.
Cone-rod dystrophy 13 (CORD13). Identifiers: Orphanet 1872, MedGen C2750720, MONDO:0011987, OMIM 608194.

Allele frequency attached by ClinVar (database versions not stated): ExAC 0.00001; gnomAD exomes 0.00001 and 0.00002; TOPMed 0.00003; gnomAD 0.00004 and 0.00005.

Submissions (2):

Ambry Genetics
Classification: Uncertain significance for Inborn genetic diseases. Last evaluated: 2024-02-28. Review status: criteria provided, single submitter. Criteria: Ambry Variant Classification Scheme 2023. Collection method: clinical testing. Allele origin: germline.

Labcorp Genetics (formerly Invitae), Labcorp
Classification: Uncertain significance for Leber congenital amaurosis 6; Cone-rod dystrophy 13. Last evaluated: 2022-08-23. Review status: criteria provided, single submitter. Criteria: Invitae Variant Classification Sherloc (09022015). Collection method: clinical testing. Allele origin: germline.
Comment: This variant has not been reported in the literature in individuals affected with RPGRIP1-related conditions. This variant is present in population databases (rs765387527, gnomAD 0.02%). This sequence change replaces arginine, which is basic and polar, with tryptophan, which is neutral and slightly polar, at codon 110 of the RPGRIP1 protein (p.Arg110Trp). ClinVar contains an entry for this variant (Variation ID: 965245). In summary, the available evidence is currently insufficient to determine the role of this variant in disease. Therefore, it has been classified as a Variant of Uncertain Significance. Algorithms developed to predict the effect of missense changes on protein structure and function are either unavailable or do not agree on the potential impact of this missense change (SIFT: "Deleterious"; PolyPhen-2: "Benign"; Align-GVGD: "Class C0").

NM_020366.4(RPGRIP1):c.328C>T (p.Arg110Trp)

Gene: RPGRIP1 (RPGR interacting protein 1; plus strand). Cytogenetic location: 14q11.2.
Variant type: single nucleotide variant.
Coding change: c.328C>T on transcript NM_020366.4 (MANE Select); coding-DNA position 328, C replaced by T.
Protein change: p.Arg110Trp; replaces arginine 110 with tryptophan.
Molecular consequence: missense variant.
Genome position (GRCh38, 1-based): chr14:21,301,075, C>T. VCF-style: chr14-21301075-C-T. GRCh37 (hg19) VCF-style: chr14-21769234-C-T.
Other names: short protein forms R110W.
Identifiers: ClinVar variation 965245 (VCV000965245.9), dbSNP rs765387527, ClinGen allele CA7088633.
Genomic context (GRCh38, chr14:21,301,075, plus strand): 5'-GTCGCGGAGGAGGCGGCGCCGCTCTCGGAGACCGCAAGGCGCGGGCAGAAGGCGGGATGG[C>T]GGCAGCGCCTCTCCATGCACCAGCGCCCCCAGATGCACCGACTGCAAGGGCATTTCCACT-3'
Protein context (NP_065099.3, residues 100-120): TARRGQKAGW[Arg110Trp]QRLSMHQRPQ